The following is an entry in ClinVar:

NM_000302.4(PLOD1):c.1329-94T>A

Gene: PLOD1 (procollagen-lysine,2-oxoglutarate 5-dioxygenase 1; plus strand). Cytogenetic location: 1p36.22.
Variant type: single nucleotide variant.
Coding change: c.1329-94T>A on transcript NM_000302.4 (MANE Select); 94 bases into the intron before coding-DNA position 1329, T replaced by A.
Molecular consequence: intron variant.
Genome position (GRCh38, 1-based): chr1:11,964,550, T>A. VCF-style: chr1-11964550-T-A. GRCh37 (hg19) VCF-style: chr1-12024607-T-A.
Other names: c.1470-94T>A (NM_001316320.2).
Identifiers: ClinVar variation 678592 (VCV000678592.2), dbSNP rs7529028, ClinGen allele CA10660125.

ClinVar aggregate classification (germline): Benign. Review status: criteria provided, multiple submitters, no conflicts (2 of 4 stars). 2 submissions from 2 submitters: Benign (2). Last evaluated 2018-06-14.

Allele frequency attached by ClinVar (database versions not stated): gnomAD 0.12321 and 0.12643; TOPMed 0.12976; 1000 Genomes Project 0.13438; 1000 Genomes Project 30x 0.13538.
gnomAD v4.1: 111,814 of 1,283,124 alleles (8.7%); highest among the groups gnomAD compares: African/African-American, 23%; 6,122 homozygotes.

Submissions (2):

GeneDx
Classification: Benign. Last evaluated: 2018-06-14. Review status: criteria provided, single submitter. Criteria: GeneDx Variant Classification (06012015). Collection method: clinical testing. Allele origin: germline. Affected: yes.
Comment: This variant is considered likely benign or benign based on one or more of the following criteria: it is a conservative change, it occurs at a poorly conserved position in the protein, it is predicted to be benign by multiple in silico algorithms, and/or has population frequency not consistent with disease.

Breakthrough Genomics
Classification: Benign. Review status: criteria provided, single submitter. Criteria: ACMG Guidelines, 2015. Collection method: not provided. Allele origin: germline. Inheritance: Autosomal recessive inheritance. Affected: yes.